The following is an entry in ClinVar:

ClinVar aggregate classification (germline): Uncertain significance. Review status: criteria provided, multiple submitters, no conflicts (2 of 4 stars). 6 submissions from 4 submitters: Uncertain significance (6). Last evaluated 2023-10-13.

Conditions:
Retinitis pigmentosa (RP). Identifiers: Orphanet 791, MedGen C0035334, MeSH D012174, MONDO:0019200, OMIM 268000. Inheritance: Autosomal dominant, autosomal recessive and X linked inheritance.
Retinitis pigmentosa 35 (RP35). Identifiers: Orphanet 791, MedGen C1853214, MONDO:0012463, OMIM 610282.
Cone-rod dystrophy 10 (CORD10). Identifiers: Orphanet 1872, MedGen C1846529, MONDO:0012464, OMIM 610283.

Allele frequency attached by ClinVar (database versions not stated): ExAC 0.00002; gnomAD 0.00004 and 0.00003; TOPMed 0.00004; 1000 Genomes Project 0.00020; 1000 Genomes Project 30x 0.00016; gnomAD exomes 0.00005.
gnomAD v4.1: 43 of 1,614,016 alleles (0.0027%); highest among the groups gnomAD compares: East Asian, 0.013%; no homozygotes.

Submissions (6):

Labcorp Genetics (formerly Invitae), Labcorp
Classification: Uncertain significance. Last evaluated: 2023-10-13. Review status: criteria provided, single submitter. Criteria: Invitae Variant Classification Sherloc (09022015). Collection method: clinical testing. Allele origin: germline.
Comment: This sequence change replaces arginine, which is basic and polar, with tryptophan, which is neutral and slightly polar, at codon 375 of the SEMA4A protein (p.Arg375Trp). This variant is present in population databases (rs201094714, gnomAD 0.02%). This variant has not been reported in the literature in individuals affected with SEMA4A-related conditions. ClinVar contains an entry for this variant (Variation ID: 167672). Advanced modeling of protein sequence and biophysical properties (such as structural, functional, and spatial information, amino acid conservation, physicochemical variation, residue mobility, and thermodynamic stability) performed at Invitae indicates that this missense variant is expected to disrupt SEMA4A protein function. In summary, the available evidence is currently insufficient to determine the role of this variant in disease. Therefore, it has been classified as a Variant of Uncertain Significance.

Genome-Nilou Lab
Classification: Uncertain significance for Cone-rod dystrophy 10. Last evaluated: 2023-04-11. Review status: criteria provided, single submitter. Criteria: ACMG Guidelines, 2015. Collection method: clinical testing. Allele origin: germline. Affected: no.

Genome-Nilou Lab
Classification: Uncertain significance for Retinitis pigmentosa 35. Last evaluated: 2023-04-11. Review status: criteria provided, single submitter. Criteria: ACMG Guidelines, 2015. Collection method: clinical testing. Allele origin: germline. Affected: no.

Illumina Laboratory Services, Illumina
Classification: Uncertain significance for Cone-rod dystrophy 10. Last evaluated: 2018-01-12. Review status: criteria provided, single submitter. Criteria: ICSL Variant Classification Criteria 13 December 2019. Collection method: clinical testing. Allele origin: germline.

Illumina Laboratory Services, Illumina
Classification: Uncertain significance for Retinitis pigmentosa. Last evaluated: 2018-01-12. Review status: criteria provided, single submitter. Criteria: ICSL Variant Classification Criteria 13 December 2019. Collection method: clinical testing. Allele origin: germline.

Eurofins Ntd Llc (ga)
Classification: Uncertain significance. Last evaluated: 2014-04-25. Review status: criteria provided, single submitter. Criteria: EGL Classification Definitions 2015. Collection method: clinical testing. Allele origin: germline. Observed: 1 variant allele, 1 heterozygote.

NM_022367.4(SEMA4A):c.1123C>T (p.Arg375Trp)

Gene: SEMA4A (semaphorin 4A; plus strand). Cytogenetic location: 1q22.
Variant type: single nucleotide variant.
Coding change: c.1123C>T on transcript NM_022367.4 (MANE Select); coding-DNA position 1123, C replaced by T.
Protein change: p.Arg375Trp; replaces arginine 375 with tryptophan.
Molecular consequence: missense variant.
Genome position (GRCh38, 1-based): chr1:156,163,083, C>T. VCF-style: chr1-156163083-C-T. GRCh37 (hg19) VCF-style: chr1-156132874-C-T.
Other names: c.1123C>T, p.Arg375Trp (NM_001193300.2, NM_001193301.2, NM_001370567.1); c.727C>T, p.Arg243Trp (NM_001193302.2); c.826C>T, p.Arg276Trp (NM_001370568.1); c.616C>T, p.Arg206Trp (NM_001370569.1, NM_001370571.1); short protein forms R375W, R206W, R243W, R276W.
Identifiers: ClinVar variation 167672 (VCV000167672.14), dbSNP rs201094714, ClinGen allele CA234912.